The following is an entry in ClinVar:

ClinVar aggregate classification (germline): Uncertain significance (1 of 4 stars; one submission).

Conditions:
Ataxia-telangiectasia syndrome (AT). Also called: LOUIS-BAR SYNDROME; Cerebello-oculocutaneous telangiectasia; Immunodeficiency with ataxia telangiectasia; Ataxia telangiectasia (A-T); Ataxia-telangiectasia, complementation group D; AT, COMPLEMENTATION GROUP C. Identifiers: Orphanet 100, MedGen C0004135, MONDO:0008840, OMIM 208900.

Submission:

Labcorp Genetics (formerly Invitae), Labcorp
Classification: Uncertain significance for Ataxia-telangiectasia syndrome. Last evaluated: 2024-10-16. Review status: criteria provided, single submitter. Criteria: Invitae Variant Classification Sherloc (09022015). Collection method: clinical testing. Allele origin: germline.
Comment: This sequence change replaces arginine, which is basic and polar, with alanine, which is neutral and non-polar, at codon 2939 of the ATM protein (p.Arg2939Ala). Information on the frequency of this variant in the gnomAD database is not available, as this variant may be reported differently in the database. This variant has not been reported in the literature in individuals affected with ATM-related conditions. An algorithm developed to predict the effect of missense changes on protein structure and function (PolyPhen-2) suggests that this variant is likely to be disruptive. In summary, the available evidence is currently insufficient to determine the role of this variant in disease. Therefore, it has been classified as a Variant of Uncertain Significance.

NM_000051.4(ATM):c.8815_8816delinsGC (p.Arg2939Ala)

Genes: ATM (ATM serine/threonine kinase; plus strand), C11orf65 (chromosome 11 open reading frame 65; minus strand). Cytogenetic location: 11q22.3.
Variant type: Indel.
Coding change: c.8815_8816delinsGC on transcript NM_000051.4 (MANE Select); coding-DNA positions 8815 to 8816, AG replaced by GC.
Protein change: p.Arg2939Ala; replaces arginine 2939 with alanine.
Molecular consequence: missense variant. On other transcripts: intron variant (2).
Genome position (GRCh38, 1-based): chr11:108,354,839-108,354,840, AG replaced by GC. VCF-style: chr11-108354839-AG-GC. GRCh37 (hg19) VCF-style: chr11-108225566-AG-GC.
Other names: c.8815_8816delinsGC, p.Arg2939Ala (NM_001351834.2); c.640+31080_640+31081delinsGC (NM_001330368.2); c.695-19548_695-19547delinsGC (NM_001351110.2); short protein forms R2939A.
Identifiers: ClinVar variation 2827372 (VCV002827372.3), dbSNP rs2547536071, ClinGen allele CA2739266022.